The following is an entry in ClinVar:

NM_005560.6(LAMA5):c.4037G>A (p.Cys1346Tyr)

Gene: LAMA5 (laminin subunit alpha 5; minus strand). Cytogenetic location: 20q13.33.
Variant type: single nucleotide variant.
Coding change: c.4037G>A on transcript NM_005560.6 (MANE Select); coding-DNA position 4037, G replaced by A.
Protein change: p.Cys1346Tyr; replaces cysteine 1346 with tyrosine.
Molecular consequence: missense variant.
Genome position (GRCh38, 1-based): chr20:62,329,859, C>T on the plus strand (G>A on the coding strand, the complement: LAMA5 is on the minus strand). VCF-style: chr20-62329859-C-T. GRCh37 (hg19) VCF-style: chr20-60904915-C-T.
Other names: c.4037G>A (NM_005560.3); short protein forms C1346Y.
Identifiers: ClinVar variation 2075400 (VCV002075400.4), dbSNP rs371144423, ClinGen allele CA9942752.

ClinVar aggregate classification (germline): Uncertain significance. Review status: criteria provided, multiple submitters, no conflicts (2 of 4 stars). 2 submissions from 2 submitters: Uncertain significance (2). Last evaluated 2025-05-01.

Conditions:
Inborn genetic diseases. Identifiers: MedGen C0950123, MeSH D030342.

Allele frequency attached by ClinVar (database versions not stated): TOPMed 0.00003; ESP Exome Variant Server 0.00008; gnomAD 0.00001; gnomAD exomes 0.00004; ExAC 0.00007.
gnomAD v4.1: 70 of 1,612,352 alleles (0.0043%); highest among the groups gnomAD compares: Middle Eastern, 0.25%; no homozygotes.

Submissions (2):

Ambry Genetics
Classification: Uncertain significance for Inborn genetic diseases. Last evaluated: 2025-05-01. Review status: criteria provided, single submitter. Criteria: Ambry Variant Classification Scheme 2023. Collection method: clinical testing. Allele origin: germline.

Labcorp Genetics (formerly Invitae), Labcorp
Classification: Uncertain significance. Last evaluated: 2022-03-27. Review status: criteria provided, single submitter. Criteria: Invitae Variant Classification Sherloc (09022015). Collection method: clinical testing. Allele origin: germline.
Comment: This sequence change replaces cysteine, which is neutral and slightly polar, with tyrosine, which is neutral and polar, at codon 1346 of the LAMA5 protein (p.Cys1346Tyr). This variant is present in population databases (rs371144423, gnomAD 0.02%). This variant has not been reported in the literature in individuals affected with LAMA5-related conditions. Algorithms developed to predict the effect of missense changes on protein structure and function are either unavailable or do not agree on the potential impact of this missense change (SIFT: "Tolerated"; PolyPhen-2: "Probably Damaging"; Align-GVGD: "Class C0"). In summary, the available evidence is currently insufficient to determine the role of this variant in disease. Therefore, it has been classified as a Variant of Uncertain Significance.